The following is an entry in ClinVar:

NM_004385.5(VCAN):c.7802T>C (p.Val2601Ala)

Genes: VCAN (versican; plus strand), VCAN-AS1 (VCAN antisense RNA 1; minus strand). Cytogenetic location: 5q14.3.
Variant type: single nucleotide variant.
Coding change: c.7802T>C on transcript NM_004385.5 (MANE Select); coding-DNA position 7802, T replaced by C.
Protein change: p.Val2601Ala; replaces valine 2601 with alanine.
Molecular consequence: missense variant. On other transcripts: intron variant (2).
Genome position (GRCh38, 1-based): chr5:83,540,805, T>C. VCF-style: chr5-83540805-T-C. GRCh37 (hg19) VCF-style: chr5-82836624-T-C.
Other names: c.4841T>C, p.Val1614Ala (NM_001164097.2); c.4004-4732T>C (NM_001164098.2); c.1043-4732T>C (NM_001126336.3); short protein forms V2601A, V1614A.
Identifiers: ClinVar variation 1047747 (VCV001047747.8), dbSNP rs1746942693, ClinGen allele CA360315541.

ClinVar aggregate classification (germline): Uncertain significance (1 of 4 stars; one submission).

Allele frequency attached by ClinVar (database versions not stated): TOPMed 0.00001.

Submission:

Labcorp Genetics (formerly Invitae), Labcorp
Classification: Uncertain significance. Last evaluated: 2023-10-13. Review status: criteria provided, single submitter. Criteria: Invitae Variant Classification Sherloc (09022015). Collection method: clinical testing. Allele origin: germline.
Comment: This sequence change replaces valine, which is neutral and non-polar, with alanine, which is neutral and non-polar, at codon 2601 of the VCAN protein (p.Val2601Ala). This variant is not present in population databases (gnomAD no frequency). This variant has not been reported in the literature in individuals affected with VCAN-related conditions. ClinVar contains an entry for this variant (Variation ID: 1047747). Algorithms developed to predict the effect of missense changes on protein structure and function output the following: SIFT: "Not Available"; PolyPhen-2: "Benign"; Align-GVGD: "Not Available". The alanine amino acid residue is found in multiple mammalian species, which suggests that this missense change does not adversely affect protein function. In summary, the available evidence is currently insufficient to determine the role of this variant in disease. Therefore, it has been classified as a Variant of Uncertain Significance.